The following is an entry in ClinVar:

NM_001134673.4(NFIA):c.328C>T (p.Gln110Ter)

Gene: NFIA (nuclear factor I A; plus strand). Cytogenetic location: 1p31.3.
Variant type: single nucleotide variant.
Coding change: c.328C>T on transcript NM_001134673.4 (MANE Select); coding-DNA position 328, C replaced by T.
Protein change: p.Gln110Ter; replaces glutamine 110 with a stop codon.
Molecular consequence: nonsense.
Genome position (GRCh38, 1-based): chr1:61,088,449, C>T. VCF-style: chr1-61088449-C-T. GRCh37 (hg19) VCF-style: chr1-61554121-C-T.
Other names: c.304C>T, p.Gln102Ter (NM_001145511.2); c.463C>T, p.Gln155Ter (NM_001145512.2); c.328C>T, p.Gln110Ter (NM_005595.5); short protein forms Q102*, Q110*, Q155*.
Identifiers: ClinVar variation 3764697 (VCV003764697.2).
Genomic context (GRCh38, chr1:61,088,449, plus strand): 5'-GATTTTGTTCTTACAGTTACAGGGAAAAAACCTCCATGTTGTGTTCTTTCCAACCCAGAC[C>T]AGAAAGGCAAGATGCGAAGAATTGACTGCCTCCGCCAGGCAGATAAAGTCTGGAGGTTGG-3'

ClinVar aggregate classification (germline): Likely pathogenic (1 of 4 stars; one submission).

Conditions:
Brain malformations with or without urinary tract defects. Also called: Brain malformations and urinary tract defects. Identifiers: MedGen C4478940, MONDO:0100478, OMIM 613735.

Submission:

Juno Genomics, Hangzhou Juno Genomics, Inc
Classification: Likely pathogenic for Brain malformations with or without urinary tract defects. Review status: criteria provided, single submitter. Criteria: ACMG Guidelines, 2015. Collection method: clinical testing. Allele origin: germline. Affected: yes.
Comment: Absent from controls (or at extremely low frequency if recessive) in Genome Aggregation Database, Exome Sequencing Project, 1000 Genomes Project, or Exome Aggregation Consortium.;Null variant in a gene where loss of function (LOF) is a known mechanism of disease.